The following is an entry in ClinVar:

NM_001447.3(FAT2):c.5555C>T (p.Ala1852Val)

Genes: FAT2 (FAT atypical cadherin 2; minus strand), SLC36A1 (solute carrier family 36 member 1; plus strand). Cytogenetic location: 5q33.1.
Variant type: single nucleotide variant.
Coding change: c.5555C>T on transcript NM_001447.3 (MANE Select); coding-DNA position 5555, C replaced by T.
Protein change: p.Ala1852Val; replaces alanine 1852 with valine.
Molecular consequence: missense variant.
Genome position (GRCh38, 1-based): chr5:151,545,572, G>A on the plus strand (C>T on the coding strand, the complement: FAT2 is on the minus strand). VCF-style: chr5-151545572-G-A. GRCh37 (hg19) VCF-style: chr5-150925133-G-A.
Other names: short protein forms A1852V.
Identifiers: ClinVar variation 1936870 (VCV001936870.5), dbSNP rs774624266, ClinGen allele CA3521267.

ClinVar aggregate classification (germline): Uncertain significance (1 of 4 stars; one submission).

Allele frequency attached by ClinVar (database versions not stated): ExAC 0.00001; gnomAD exomes 0.00001; TOPMed 0.00001.
gnomAD v4.1: 3 of 1,614,102 alleles (0.00019%); highest among the groups gnomAD compares: Admixed American, 0.005%; no homozygotes.

Submission:

Labcorp Genetics (formerly Invitae), Labcorp
Classification: Uncertain significance. Last evaluated: 2022-06-02. Review status: criteria provided, single submitter. Criteria: Invitae Variant Classification Sherloc (09022015). Collection method: clinical testing. Allele origin: germline.
Comment: In summary, the available evidence is currently insufficient to determine the role of this variant in disease. Therefore, it has been classified as a Variant of Uncertain Significance. Algorithms developed to predict the effect of missense changes on protein structure and function are either unavailable or do not agree on the potential impact of this missense change (SIFT: "Deleterious"; PolyPhen-2: "Probably Damaging"; Align-GVGD: "Class C0"). This variant has not been reported in the literature in individuals affected with FAT2-related conditions. This variant is present in population databases (rs774624266, gnomAD 0.006%). This sequence change replaces alanine, which is neutral and non-polar, with valine, which is neutral and non-polar, at codon 1852 of the FAT2 protein (p.Ala1852Val).